The following is an entry in ClinVar:

ClinVar aggregate classification (germline): Pathogenic (1 of 4 stars; one submission).

Conditions:
T-B+ severe combined immunodeficiency due to JAK3 deficiency. Also called: SCID, T CELL-NEGATIVE, B CELL-POSITIVE, NK CELL-NEGATIVE; SCID, autosomal recessive, T-negative/B-positive type. Identifiers: Orphanet 35078, MedGen C1833275, MONDO:0010938, OMIM 600802.

Submission:

Labcorp Genetics (formerly Invitae), Labcorp
Classification: Pathogenic for T-B+ severe combined immunodeficiency due to JAK3 deficiency. Last evaluated: 2023-03-23. Review status: criteria provided, single submitter. Criteria: Invitae Variant Classification Sherloc (09022015). Collection method: clinical testing. Allele origin: germline.
Comment: For these reasons, this variant has been classified as Pathogenic. This variant has not been reported in the literature in individuals affected with JAK3-related conditions. This variant is present in population databases (no rsID available, gnomAD 0.0009%). This sequence change creates a premature translational stop signal (p.Asp324Thrfs*4) in the JAK3 gene. It is expected to result in an absent or disrupted protein product. Loss-of-function variants in JAK3 are known to be pathogenic (PMID: 7481768, 11668621).

Literature cited by the submitters: PubMed 7481768; PubMed 11668621.

NM_000215.4(JAK3):c.970_973del (p.Asp324fs)

Gene: JAK3 (Janus kinase 3; minus strand). Cytogenetic location: 19p13.11.
Variant type: Microsatellite.
Coding change: c.970_973del on transcript NM_000215.4 (MANE Select); coding-DNA positions 970 to 973, 4 bases deleted (GACA; older notation c.970_973delGACA).
Protein change: p.Asp324fs; shifts the reading frame from aspartic acid 324.
Molecular consequence: frameshift variant.
Genome position (GRCh38, 1-based): chr19:17,841,651-17,841,654, TGTC deleted on the plus strand (GACA on the coding strand, the reverse complement: JAK3 is on the minus strand); deleting any 4 consecutive bases within chr19:17,841,651-17,841,658 gives the same sequence; the c. name uses the placement nearest the transcript's 3' end. VCF-style (leftmost placement, unchanged base first): chr19-17841650-TTGTC-T. GRCh37 (hg19) VCF-style: chr19-17952459-TTGTC-T.
Other names: short protein forms D324fs.
Identifiers: ClinVar variation 2871548 (VCV002871548.3), dbSNP rs1333361833, ClinGen allele CA632135900.
Genomic context (GRCh38, chr19:17,841,650, plus strand): 5'-CGGTCCCGCCCTCGGGGTAAGGCTGAAGGGGAGGGGAATCCTGCACCCACTAAAATCTGG[TTGTC>T]TGTCCTGGTAACAGTGACCAGGCGGTGCTCTCCGGCCGGGCCAACGCGCGGGGCCTGCTT-3'